The following is an entry in ClinVar:

ClinVar aggregate classification (germline): Pathogenic (1 of 4 stars; one submission).

Submission:

Labcorp Genetics (formerly Invitae), Labcorp
Classification: Pathogenic. Last evaluated: 2023-09-08. Review status: criteria provided, single submitter. Criteria: Invitae Variant Classification Sherloc (09022015). Collection method: clinical testing. Allele origin: germline.
Comment: For these reasons, this variant has been classified as Pathogenic. This variant has not been reported in the literature in individuals affected with PCDH15-related conditions. This variant is a gross deletion of the genomic region encompassing exon(s) 2-21 of the PCDH15 gene, which includes the initiator codon. This deletion extends beyond the assayed region for this gene and therefore may encompass additional genes. It is expected to result in an absent or disrupted protein product. Loss-of-function variants in PCDH15 are known to be pathogenic (PMID: 11398101, 11487575, 14570705).

Literature cited by the submitters: PubMed 11398101; PubMed 11487575; PubMed 14570705.

NC_000010.10:g.(?_55755399)_(56424032_?)del

Gene: PCDH15 (protocadherin related 15; minus strand). Cytogenetic location: 10q21.1.
Variant type: Deletion.
Identifiers: ClinVar variation 2427102 (VCV002427102.4).